The following is an entry in ClinVar:

NM_001005242.3(PKP2):c.2144A>G (p.Asn715Ser)

Gene: PKP2 (plakophilin 2; minus strand). Cytogenetic location: 12p11.21.
Variant type: single nucleotide variant.
Coding change: c.2144A>G on transcript NM_001005242.3 (MANE Select); coding-DNA position 2144, A replaced by G.
Protein change: p.Asn715Ser; replaces asparagine 715 with serine.
Molecular consequence: missense variant.
Genome position (GRCh38, 1-based): chr12:32,802,426, T>C on the plus strand (A>G on the coding strand, the complement: PKP2 is on the minus strand). VCF-style: chr12-32802426-T-C. GRCh37 (hg19) VCF-style: chr12-32955360-T-C.
Other names: c.2144A>G, p.Asn715Ser (NM_001407155.1); c.1979A>G, p.Asn660Ser (NM_001407156.1); c.1817A>G, p.Asn606Ser (NM_001407158.1, NM_001407159.1, NM_001407160.1); c.2276A>G, p.Asn759Ser (NM_004572.4); short protein forms N606S, N660S, N715S, N759S.
Identifiers: ClinVar variation 3610111 (VCV003610111.2).
Genomic context (GRCh38, chr12:32,802,426, plus strand): 5'-ATGTACATATTACACATAGATACTTATACCGACTCACCAATTTCATTCTGCAGAGAAAGA[T>C]TCCGGGACAGATTCCTCAGCAGCGAGATGGCTGTCTTTTTCACACTTGGGTCACCAACAT-3'
Protein context (NP_001005242.2, residues 705-725): AISLLRNLSR[Asn715Ser]LSLQNEIAKE

ClinVar aggregate classification (germline): Uncertain significance (1 of 4 stars; one submission).

Conditions:
Arrhythmogenic right ventricular dysplasia 9 (ARVD9). Also called: Arrhythmogenic Right Ventricular Dysplasia/Cardiomyopathy 9; ARRHYTHMOGENIC RIGHT VENTRICULAR DYSPLASIA, FAMILIAL, 9. Identifiers: MedGen C1836906, MONDO:0012180, OMIM 609040.

Submission:

Labcorp Genetics (formerly Invitae), Labcorp
Classification: Uncertain significance for Arrhythmogenic right ventricular dysplasia 9. Last evaluated: 2024-09-22. Review status: criteria provided, single submitter. Criteria: Invitae Variant Classification Sherloc (09022015). Collection method: clinical testing. Allele origin: germline.
Comment: This sequence change replaces asparagine, which is neutral and polar, with serine, which is neutral and polar, at codon 759 of the PKP2 protein (p.Asn759Ser). This variant is not present in population databases (gnomAD no frequency). This variant has not been reported in the literature in individuals affected with PKP2-related conditions. An algorithm developed to predict the effect of missense changes on protein structure and function (PolyPhen-2) suggests that this variant is likely to be disruptive. In summary, the available evidence is currently insufficient to determine the role of this variant in disease. Therefore, it has been classified as a Variant of Uncertain Significance.